The following is an entry in ClinVar:

ClinVar aggregate classification (germline): Uncertain significance (1 of 4 stars; one submission).

Submission:

Women's Health and Genetics/Laboratory Corporation of America, LabCorp
Classification: Uncertain significance. Last evaluated: 2020-10-16. Review status: criteria provided, single submitter. Criteria: LabCorp Variant Classification Summary - May 2015. Collection method: clinical testing. Allele origin: germline.
Comment: Variant summary: The variant identified by MLPA or other technology involves the duplication of exons 43-53 in the DMD gene. A presumed nomenclature of c.(6117+1_6118-1)_(7872+1_7873-1)dup has been designated for the purposes of this classification. It has been assumed that this is a tandem duplication in direct orientation (Richardson_GIM_2018, Neuman_AJHG_2015). Although exact breakpoints of this duplication are not known, it is expected to result in a large in-frame duplication in the DMD gene. The variant was absent in 16120 control chromosomes (gnomAD, Structural Variants dataset). The available data on variant occurrences in the general population are insufficient to allow any conclusion about variant significance. To our knowledge, no occurrence of c.(6117+1_6118-1)_(7872+1_7873-1)dup in individuals affected with Dystrophinopathies and no experimental evidence demonstrating its impact on protein function have been reported. No clinical diagnostic laboratories have submitted clinical-significance assessments for this variant to ClinVar after 2014. Based on the evidence outlined above, the variant was classified as uncertain significance.

NC_000023.10:g.(31676262_31697491)_(32305819_32328198)dup

Gene: DMD (dystrophin; minus strand). Cytogenetic location: Xp21.1.
Variant type: Duplication.
Identifiers: ClinVar variation 984512 (VCV000984512.1).